The following is an entry in ClinVar:

ClinVar aggregate classification (germline): Uncertain significance (1 of 4 stars; one submission).

Submission:

Labcorp Genetics (formerly Invitae), Labcorp
Classification: Uncertain significance. Last evaluated: 2025-07-15. Review status: criteria provided, single submitter. Criteria: Invitae Variant Classification Sherloc (09022015). Collection method: clinical testing. Allele origin: germline.
Comment: This sequence change replaces leucine, which is neutral and non-polar, with valine, which is neutral and non-polar, at codon 1754 of the LAMA1 protein (p.Leu1754Val). This variant is not present in population databases (gnomAD no frequency). This variant has not been reported in the literature in individuals affected with LAMA1-related conditions. Invitae Evidence Modeling of protein sequence and biophysical properties (such as structural, functional, and spatial information, amino acid conservation, physicochemical variation, residue mobility, and thermodynamic stability) indicates that this missense variant is not expected to disrupt LAMA1 protein function with a negative predictive value of 80%. In summary, the available evidence is currently insufficient to determine the role of this variant in disease. Therefore, it has been classified as a Variant of Uncertain Significance.

NM_005559.4(LAMA1):c.5260C>G (p.Leu1754Val)

Gene: LAMA1 (laminin subunit alpha 1; minus strand). Cytogenetic location: 18p11.31.
Variant type: single nucleotide variant.
Coding change: c.5260C>G on transcript NM_005559.4 (MANE Select); coding-DNA position 5260, C replaced by G.
Protein change: p.Leu1754Val; replaces leucine 1754 with valine.
Molecular consequence: missense variant.
Genome position (GRCh38, 1-based): chr18:6,986,256, G>C on the plus strand (C>G on the coding strand, the complement: LAMA1 is on the minus strand). VCF-style: chr18-6986256-G-C. GRCh37 (hg19) VCF-style: chr18-6986255-G-C.
Other names: short protein forms L1754V.
Identifiers: ClinVar variation 4708816 (VCV004708816.1).